The following is an entry in ClinVar:

ClinVar aggregate classification (germline): Uncertain significance (1 of 4 stars; one submission).

Conditions:
Malignant hyperthermia, susceptibility to, 5 (MHS5). Also called: CACNA1S-Related Malignant Hyperthermia Susceptibility. Identifiers: Orphanet 423, MedGen C1866077, MONDO:0011163, OMIM 601887.
Hypokalemic periodic paralysis, type 1. Also called: Hypokalemic Periodic Paralysis Type 1 (AD); HypoPP. Identifiers: Orphanet 681, MedGen C3714580, MONDO:0042979, OMIM 170400.

Allele frequency attached by ClinVar (database versions not stated): gnomAD exomes below 0.00001.

Submission:

Labcorp Genetics (formerly Invitae), Labcorp
Classification: Uncertain significance for Hypokalemic periodic paralysis, type 1; Malignant hyperthermia, susceptibility to, 5. Last evaluated: 2023-06-10. Review status: criteria provided, single submitter. Criteria: Invitae Variant Classification Sherloc (09022015). Collection method: clinical testing. Allele origin: germline.
Comment: In summary, the available evidence is currently insufficient to determine the role of this variant in disease. Therefore, it has been classified as a Variant of Uncertain Significance. Advanced modeling of protein sequence and biophysical properties (such as structural, functional, and spatial information, amino acid conservation, physicochemical variation, residue mobility, and thermodynamic stability) performed at Invitae indicates that this missense variant is not expected to disrupt CACNA1S protein function. This variant has not been reported in the literature in individuals affected with CACNA1S-related conditions. This variant is not present in population databases (gnomAD no frequency). This sequence change replaces cysteine, which is neutral and slightly polar, with phenylalanine, which is neutral and non-polar, at codon 1741 of the CACNA1S protein (p.Cys1741Phe).

NM_000069.3(CACNA1S):c.5222G>T (p.Cys1741Phe)

Gene: CACNA1S (calcium voltage-gated channel subunit alpha1 S; minus strand). Cytogenetic location: 1q32.1.
Variant type: single nucleotide variant.
Coding change: c.5222G>T on transcript NM_000069.3 (MANE Select); coding-DNA position 5222, G replaced by T.
Protein change: p.Cys1741Phe; replaces cysteine 1741 with phenylalanine.
Molecular consequence: missense variant.
Genome position (GRCh38, 1-based): chr1:201,040,626, C>A on the plus strand (G>T on the coding strand, the complement: CACNA1S is on the minus strand). VCF-style: chr1-201040626-C-A. GRCh37 (hg19) VCF-style: chr1-201009754-C-A.
Other names: short protein forms C1741F.
Identifiers: ClinVar variation 2931187 (VCV002931187.3), dbSNP rs2464393443, ClinGen allele CA344131700.